The following is an entry in ClinVar:

NM_001711.6(BGN):c.1079C>T (p.Ala360Val)

Gene: BGN (biglycan; plus strand). Cytogenetic location: Xq28.
Variant type: single nucleotide variant.
Coding change: c.1079C>T on transcript NM_001711.6 (MANE Select); coding-DNA position 1079, C replaced by T.
Protein change: p.Ala360Val; replaces alanine 360 with valine.
Molecular consequence: missense variant.
Genome position (GRCh38, 1-based): chrX:153,508,417, C>T. VCF-style: chrX-153508417-C-T. GRCh37 (hg19) VCF-style: chrX-152773875-C-T.
Other names: short protein forms A360V.
Identifiers: ClinVar variation 2787594 (VCV002787594.3), dbSNP rs782699881, ClinGen allele CA10547391.

ClinVar aggregate classification (germline): Uncertain significance (1 of 4 stars; one submission).

Allele frequency attached by ClinVar (database versions not stated): gnomAD exomes below 0.00001; ExAC 0.00001.
gnomAD v4.1: 2 of 1,212,027 alleles (0.00017%); highest among the groups gnomAD compares: Non-Finnish European, 0.00011%; no homozygotes.

Submission:

Labcorp Genetics (formerly Invitae), Labcorp
Classification: Uncertain significance. Last evaluated: 2025-08-11. Review status: criteria provided, single submitter. Criteria: Invitae Variant Classification Sherloc (09022015). Collection method: clinical testing. Allele origin: germline.
Comment: This sequence change replaces alanine, which is neutral and non-polar, with valine, which is neutral and non-polar, at codon 360 of the BGN protein (p.Ala360Val). This variant is present in population databases (rs782699881, gnomAD 0.001%). This variant has not been reported in the literature in individuals affected with BGN-related conditions. ClinVar contains an entry for this variant (Variation ID: 2787594). An algorithm developed to predict the effect of missense changes on protein structure and function (PolyPhen-2) suggests that this variant is likely to be disruptive. In summary, the available evidence is currently insufficient to determine the role of this variant in disease. Therefore, it has been classified as a Variant of Uncertain Significance.